The following is an entry in ClinVar:

ClinVar aggregate classification (germline): Uncertain significance. Review status: criteria provided, multiple submitters, no conflicts (2 of 4 stars). 2 submissions from 2 submitters: Uncertain significance (2). Last evaluated 2025-05-21.

Conditions:
Retinoblastoma (RB1). Also called: RETINOBLASTOMA, SOMATIC. Identifiers: Orphanet 790, MedGen C0035335, MeSH D012175, MONDO:0008380, OMIM 180200, HP:0009919. Disease mechanism: loss of function. Inheritance: Both sporadic and heritable forms are tested..

Submissions (2):

Labcorp Genetics (formerly Invitae), Labcorp
Classification: Uncertain significance for Retinoblastoma. Last evaluated: 2025-05-21. Review status: criteria provided, single submitter. Criteria: Invitae Variant Classification Sherloc (09022015). Collection method: clinical testing. Allele origin: germline.
Comment: This variant occurs in a non-coding region of the RB1 gene. It does not change the encoded amino acid sequence of the RB1 protein. This variant is not present in population databases (gnomAD no frequency). This variant has not been reported in the literature in individuals affected with RB1-related conditions. Experimental studies and prediction algorithms are not available or were not evaluated, and the functional significance of this variant is currently unknown. In summary, the available evidence is currently insufficient to determine the role of this variant in disease. Therefore, it has been classified as a Variant of Uncertain Significance.

GeneDx
Classification: Uncertain significance. Last evaluated: 2019-12-24. Review status: criteria provided, single submitter. Criteria: GeneDx Variant Classification Process June 2021. Collection method: clinical testing. Allele origin: germline. Affected: yes.
Comment: Has not been previously published as pathogenic or benign to our knowledge; No data available from control populations to assess the frequency of this variant; Describes a nucleotide substitution 209 base pairs upstream of the ATG translational start site of the RB1 gene

NC_000013.11:g.48303704A>G

Gene: RB1 (RB transcriptional corepressor 1; plus strand). Cytogenetic location: 13q14.2.
Variant type: single nucleotide variant.
Genome position: GRCh38 VCF-style: chr13-48303704-A-G. GRCh37 (hg19) VCF-style: chr13-48877840-A-G.
Identifiers: ClinVar variation 1311508 (VCV001311508.4), dbSNP rs1952048465, ClinGen allele CA2089949459.